The following is an entry in ClinVar:

ClinVar aggregate classification (germline): Uncertain significance. Review status: criteria provided, multiple submitters, no conflicts (2 of 4 stars). 2 submissions from 2 submitters: Uncertain significance (2). Last evaluated 2025-03-07.

Conditions:
Cardiovascular phenotype. Identifiers: MedGen CN230736.

Submissions (2):

Ambry Genetics
Classification: Uncertain significance for Cardiovascular phenotype. Last evaluated: 2025-03-07. Review status: criteria provided, single submitter. Criteria: Ambry Variant Classification Scheme 2023. Collection method: clinical testing. Allele origin: germline.
Comment: The p.S158A variant (also known as c.472T>G), located in coding exon 3 of the MYH7 gene, results from a T to G substitution at nucleotide position 472. The serine at codon 158 is replaced by alanine, an amino acid with similar properties. This amino acid position is highly conserved in available vertebrate species. In addition, the in silico prediction for this alteration is inconclusive. Based on the available evidence, the clinical significance of this variant remains unclear.

GeneDx
Classification: Uncertain significance. Last evaluated: 2022-10-09. Review status: criteria provided, single submitter. Criteria: GeneDx Variant Classification Process June 2021. Collection method: clinical testing. Allele origin: germline. Affected: yes.
Comment: Not observed at significant frequency in large population cohorts (gnomAD); In silico analysis supports that this missense variant does not alter protein structure/function; Has not been previously published as pathogenic or benign to our knowledge

NM_000257.4(MYH7):c.472T>G (p.Ser158Ala)

Gene: MYH7 (myosin heavy chain 7; minus strand). Cytogenetic location: 14q11.2.
Variant type: single nucleotide variant.
Coding change: c.472T>G on transcript NM_000257.4 (MANE Select); coding-DNA position 472, T replaced by G.
Protein change: p.Ser158Ala; replaces serine 158 with alanine.
Molecular consequence: missense variant.
Genome position (GRCh38, 1-based): chr14:23,432,669, A>C on the plus strand (T>G on the coding strand, the complement: MYH7 is on the minus strand). VCF-style: chr14-23432669-A-C. GRCh37 (hg19) VCF-style: chr14-23901878-A-C.
Other names: c.472T>G, p.Ser158Ala (NM_001407004.1); short protein forms S158A.
Identifiers: ClinVar variation 2497837 (VCV002497837.2), dbSNP rs2502317633, ClinGen allele CA389052749.